The following is an entry in ClinVar:

NM_006070.6(TFG):c.361G>T (p.Asp121Tyr)

Gene: TFG (trafficking from ER to golgi regulator; plus strand). Cytogenetic location: 3q12.2.
Variant type: single nucleotide variant.
Coding change: c.361G>T on transcript NM_006070.6 (MANE Select); coding-DNA position 361, G replaced by T.
Protein change: p.Asp121Tyr; replaces aspartic acid 121 with tyrosine.
Molecular consequence: missense variant.
Genome position (GRCh38, 1-based): chr3:100,728,804, G>T. VCF-style: chr3-100728804-G-T. GRCh37 (hg19) VCF-style: chr3-100447648-G-T.
Other names: c.361G>T, p.Asp121Tyr (NM_001007565.2, NM_001195478.2, NM_001195479.2); short protein forms D121Y.
Identifiers: ClinVar variation 1478142 (VCV001478142.6), dbSNP rs907540820, ClinGen allele CA353842703.

ClinVar aggregate classification (germline): Uncertain significance (1 of 4 stars; one submission).

Conditions:
Hereditary motor and sensory neuropathy, Okinawa type (HMSNO). Also called: HEREDITARY MOTOR AND SENSORY NEUROPATHY, PROXIMAL TYPE. Identifiers: Orphanet 90117, MedGen C1858338, MONDO:0011468, OMIM 604484.
Hereditary spastic paraplegia 57. Also called: Spastic paraplegia 57, autosomal recessive. Identifiers: Orphanet 431329, MedGen C3714897, MONDO:0014295, OMIM 615658.

Submission:

Labcorp Genetics (formerly Invitae), Labcorp
Classification: Uncertain significance for Hereditary motor and sensory neuropathy, Okinawa type; Hereditary spastic paraplegia 57. Last evaluated: 2021-08-07. Review status: criteria provided, single submitter. Criteria: Invitae Variant Classification Sherloc (09022015). Collection method: clinical testing. Allele origin: germline.
Comment: This sequence change replaces aspartic acid with tyrosine at codon 121 of the TFG protein (p.Asp121Tyr). The aspartic acid residue is highly conserved and there is a large physicochemical difference between aspartic acid and tyrosine. This variant is not present in population databases (ExAC no frequency). This variant has not been reported in the literature in individuals affected with TFG-related conditions. Algorithms developed to predict the effect of missense changes on protein structure and function (SIFT, PolyPhen-2, Align-GVGD) all suggest that this variant is likely to be disruptive. In summary, the available evidence is currently insufficient to determine the role of this variant in disease. Therefore, it has been classified as a Variant of Uncertain Significance.